The following is an entry in ClinVar:

ClinVar aggregate classification (germline): Pathogenic (1 of 4 stars; one submission).

Conditions:
Benign neonatal seizures. Also called: Benign familial neonatal seizures; Benign neonatal familial convulsions; Benign familial neonatal epilepsy; Convulsions benign familial neonatal dominant form; Autosomal dominant form of benign neonatal seizures. Identifiers: Orphanet 1949, MedGen C0220669, MONDO:0016027.

Submission:

Labcorp Genetics (formerly Invitae), Labcorp
Classification: Pathogenic for Benign neonatal seizures. Last evaluated: 2022-02-24. Review status: criteria provided, single submitter. Criteria: Invitae Variant Classification Sherloc (09022015). Collection method: clinical testing. Allele origin: germline.
Comment: For these reasons, this variant has been classified as Pathogenic. This variant has not been reported in the literature in individuals affected with KCNQ3-related conditions. This variant is not present in population databases (gnomAD no frequency). This sequence change creates a premature translational stop signal (p.Ala475Profs*4) in the KCNQ3 gene. It is expected to result in an absent or disrupted protein product. Loss-of-function variants in KCNQ3 are known to be pathogenic (PMID: 29383681, 29852413).

Literature cited by the submitters: PubMed 29383681; PubMed 29852413.

NM_004519.4(KCNQ3):c.1423del (p.Ala475fs)

Gene: KCNQ3 (potassium voltage-gated channel subfamily Q member 3; minus strand). Cytogenetic location: 8q24.22.
Variant type: Deletion.
Coding change: c.1423del on transcript NM_004519.4 (MANE Select); coding-DNA position 1423, one base deleted (G; older notation c.1423delG).
Protein change: p.Ala475fs; shifts the reading frame from alanine 475.
Molecular consequence: frameshift variant.
Genome position (GRCh38, 1-based): chr8:132,141,171, C deleted on the plus strand (G on the coding strand, the reverse complement: KCNQ3 is on the minus strand); the first of 2 consecutive C bases (chr8:132,141,171-132,141,172); deleting either gives the same sequence. VCF-style (leftmost placement, unchanged base first): chr8-132141170-GC-G. GRCh37 (hg19) VCF-style: chr8-133153417-GC-G.
Other names: c.1063del, p.Ala355fs (NM_001204824.2); short protein forms A475fs, A355fs.
Identifiers: ClinVar variation 1451762 (VCV001451762.6), dbSNP rs2130944386, ClinGen allele CA2573142845.
Genomic context (GRCh38, chr8:132,141,170, plus strand): 5'-GGAGATAAAAAGGCATTACCTTCAGAACTCTGCCAGAAAGCGTAGGCTTTCATGCGGAAG[GC>G]CGTGCGGAAACGCTCTTTATTGTTTAAGCCAACAGGCTTTGGTTCTTTAGAAGGACTTTC-3'